The following is an entry in ClinVar:

NM_000171.4(GLRA1):c.85G>T (p.Ala29Ser)

Gene: GLRA1 (glycine receptor alpha 1; minus strand). Cytogenetic location: 5q33.1.
Variant type: single nucleotide variant.
Coding change: c.85G>T on transcript NM_000171.4 (MANE Select); coding-DNA position 85, G replaced by T.
Protein change: p.Ala29Ser; replaces alanine 29 with serine.
Molecular consequence: missense variant. On other transcripts: intron variant (1).
Genome position (GRCh38, 1-based): chr5:151,892,410, C>A on the plus strand (G>T on the coding strand, the complement: GLRA1 is on the minus strand). VCF-style: chr5-151892410-C-A. GRCh37 (hg19) VCF-style: chr5-151271971-C-A.
Other names: c.85G>T, p.Ala29Ser (NM_001146040.2); c.-65-5622G>T (NM_001292000.2); short protein forms A29S.
Identifiers: ClinVar variation 464193 (VCV000464193.9), dbSNP rs1554086308, ClinGen allele CA361848055.

ClinVar aggregate classification (germline): Uncertain significance (1 of 4 stars; one submission).

Conditions:
Hereditary hyperekplexia. Identifiers: Orphanet 3197, MedGen C4084968, MONDO:0021022.

Allele frequency attached by ClinVar (database versions not stated): gnomAD exomes 0.00001.
gnomAD v4.1: 3 of 1,614,036 alleles (0.00019%); highest among the groups gnomAD compares: Admixed American, 0.005%; no homozygotes.

Submission:

Labcorp Genetics (formerly Invitae), Labcorp
Classification: Uncertain significance for Hereditary hyperekplexia. Last evaluated: 2025-09-17. Review status: criteria provided, single submitter. Criteria: Invitae Variant Classification Sherloc (09022015). Collection method: clinical testing. Allele origin: germline.
Comment: This sequence change replaces alanine, which is neutral and non-polar, with serine, which is neutral and polar, at codon 29 of the GLRA1 protein (p.Ala29Ser). This variant is not present in population databases (gnomAD no frequency). This variant has not been reported in the literature in individuals affected with GLRA1-related conditions. ClinVar contains an entry for this variant (Variation ID: 464193). Invitae Evidence Modeling of protein sequence and biophysical properties (such as structural, functional, and spatial information, amino acid conservation, physicochemical variation, residue mobility, and thermodynamic stability) indicates that this missense variant is not expected to disrupt GLRA1 protein function with a negative predictive value of 95%. In summary, the available evidence is currently insufficient to determine the role of this variant in disease. Therefore, it has been classified as a Variant of Uncertain Significance.